The following is an entry in ClinVar:

NM_012254.3(SLC27A5):c.2001C>G (p.Asn667Lys)

Gene: SLC27A5 (solute carrier family 27 member 5; minus strand). Cytogenetic location: 19q13.43.
Variant type: single nucleotide variant.
Coding change: c.2001C>G on transcript NM_012254.3 (MANE Select); coding-DNA position 2001, C replaced by G.
Protein change: p.Asn667Lys; replaces asparagine 667 with lysine.
Molecular consequence: missense variant.
Genome position (GRCh38, 1-based): chr19:58,498,587, G>C on the plus strand (C>G on the coding strand, the complement: SLC27A5 is on the minus strand). VCF-style: chr19-58498587-G-C. GRCh37 (hg19) VCF-style: chr19-59009954-G-C.
Other names: c.1749C>G, p.Asn583Lys (NM_001321196.2); short protein forms N667K, N583K.
Identifiers: ClinVar variation 2717655 (VCV002717655.3), dbSNP rs2514219088, ClinGen allele CA407945717.

ClinVar aggregate classification (germline): Uncertain significance (1 of 4 stars; one submission).

Submission:

Labcorp Genetics (formerly Invitae), Labcorp
Classification: Uncertain significance. Last evaluated: 2024-02-14. Review status: criteria provided, single submitter. Criteria: Invitae Variant Classification Sherloc (09022015). Collection method: clinical testing. Allele origin: germline.
Comment: This sequence change replaces asparagine, which is neutral and polar, with lysine, which is basic and polar, at codon 667 of the SLC27A5 protein (p.Asn667Lys). This variant is not present in population databases (gnomAD no frequency). This variant has not been reported in the literature in individuals affected with SLC27A5-related conditions. An algorithm developed to predict the effect of missense changes on protein structure and function (PolyPhen-2) suggests that this variant is likely to be tolerated. In summary, the available evidence is currently insufficient to determine the role of this variant in disease. Therefore, it has been classified as a Variant of Uncertain Significance.